The following is an entry in ClinVar:

ClinVar aggregate classification (germline): Pathogenic (1 of 4 stars; one submission).

Conditions:
Diamond-Blackfan anemia 5 (DBA5). Also called: RPL35A-Related Diamond-Blackfan Anemia. Identifiers: Orphanet 124, MedGen C2675859, MONDO:0012925, OMIM 612528.

Submission:

Labcorp Genetics (formerly Invitae), Labcorp
Classification: Pathogenic for Diamond-Blackfan anemia 5. Last evaluated: 2023-07-26. Review status: criteria provided, single submitter. Criteria: Invitae Variant Classification Sherloc (09022015). Collection method: clinical testing. Allele origin: germline.
Comment: For these reasons, this variant has been classified as Pathogenic. This variant has not been reported in the literature in individuals affected with RPL35A-related conditions. This variant is not present in population databases (gnomAD no frequency). This sequence change creates a premature translational stop signal (p.Tyr49*) in the RPL35A gene. It is expected to result in an absent or disrupted protein product. Loss-of-function variants in RPL35A are known to be pathogenic (PMID: 18535205, 25946618).

Literature cited by the submitters: PubMed 18535205; PubMed 25946618.

NM_000996.4(RPL35A):c.147del (p.Ala48_Tyr49insTer)

Genes: DRC9 (dynein regulatory complex subunit 9; minus strand), RPL35A (ribosomal protein L35a; plus strand). Cytogenetic location: 3q29.
Variant type: Deletion.
Coding change: c.147del on transcript NM_000996.4 (MANE Select); coding-DNA position 147, one base deleted (T; older notation c.147delT).
Protein change: p.Ala48_Tyr49insTer.
Molecular consequence: nonsense. On other transcripts: intron variant (3).
Genome position (GRCh38, 1-based): chr3:197,951,294, T deleted. VCF-style (leftmost placement, unchanged base first): chr3-197951293-AT-A. GRCh37 (hg19) VCF-style: chr3-197678164-AT-A.
Other names: c.147del, p.Ala48_Tyr49insTer (NM_001316311.2); c.-49-7243del (NM_001323028.2); c.-59-5608del (NM_032263.5); c.-374-5608del (NM_001323029.2).
Identifiers: ClinVar variation 2747077 (VCV002747077.3), dbSNP rs2530415161, ClinGen allele CA2697557043.